The following is an entry in ClinVar:

ClinVar aggregate classification (germline): Uncertain significance (1 of 4 stars; one submission).

Conditions:
Autosomal recessive limb-girdle muscular dystrophy type 2O. Also called: Limb-Girdle Muscular Dystrophy Type 3C; MUSCULAR DYSTROPHY-DYSTROGLYCANOPATHY (LIMB-GIRDLE), TYPE C, 3; MUSCULAR DYSTROPHY-DYSTROGLYCANOPATHY, LIMB-GIRDLE, POMGNT1-RELATED. Identifiers: Orphanet 206564, MedGen C3150417, MONDO:0013161, OMIM 613157.
Muscular dystrophy-dystroglycanopathy (congenital with impaired intellectual development), type B, 3. Also called: MUSCULAR DYSTROPHY, CONGENITAL, POMGNT1-RELATED; Muscular dystrophy-dystroglycanopathy (congenital with intellectual disability), type B3. Identifiers: MedGen C3150412, MONDO:0013155, OMIM 613151.

Submission:

Labcorp Genetics (formerly Invitae), Labcorp
Classification: Uncertain significance for Autosomal recessive limb-girdle muscular dystrophy type 2O; Muscular dystrophy-dystroglycanopathy (congenital with impaired intellectual development), type B, 3. Last evaluated: 2022-01-12. Review status: criteria provided, single submitter. Criteria: Invitae Variant Classification Sherloc (09022015). Collection method: clinical testing. Allele origin: germline.
Comment: This sequence change replaces proline, which is neutral and non-polar, with alanine, which is neutral and non-polar, at codon 647 of the POMGNT1 protein (p.Pro647Ala). This variant is not present in population databases (gnomAD no frequency). In summary, the available evidence is currently insufficient to determine the role of this variant in disease. Therefore, it has been classified as a Variant of Uncertain Significance. Advanced modeling of protein sequence and biophysical properties (such as structural, functional, and spatial information, amino acid conservation, physicochemical variation, residue mobility, and thermodynamic stability) performed at Invitae indicates that this missense variant is not expected to disrupt POMGNT1 protein function. This variant has not been reported in the literature in individuals affected with POMGNT1-related conditions.

NM_017739.4(POMGNT1):c.1939C>G (p.Pro647Ala)

Genes: POMGNT1 (protein O-linked mannose N-acetylglucosaminyltransferase 1 (beta 1,2-); minus strand), TSPAN1 (tetraspanin 1; plus strand). Cytogenetic location: 1p34.1.
Variant type: single nucleotide variant.
Coding change: c.1939C>G on transcript NM_017739.4 (MANE Select); coding-DNA position 1939, C replaced by G.
Protein change: p.Pro647Ala; replaces proline 647 with alanine.
Molecular consequence: missense variant. On other transcripts: intron variant (1).
Genome position (GRCh38, 1-based): chr1:46,189,314, G>C on the plus strand (C>G on the coding strand, the complement: POMGNT1 is on the minus strand). VCF-style: chr1-46189314-G-C. GRCh37 (hg19) VCF-style: chr1-46654986-G-C.
Other names: c.1913C>G, p.Thr638Ser (NM_001243766.2); c.1873C>G, p.Pro625Ala (NM_001290129.3); c.1510C>G, p.Pro504Ala (NM_001290130.2); c.1895+144C>G (NM_001410783.1); short protein forms P625A, T638S, P504A, P647A.
Identifiers: ClinVar variation 1357663 (VCV001357663.6), dbSNP rs2148161781, ClinGen allele CA340170317.